The following is an entry in ClinVar:

Conditions:
Arteriohepatic dysplasia. Also called: Alagille Syndrome. Identifiers: Orphanet 52, MedGen C0085280, MeSH D016738, MONDO:0007318.

Submission:

Gilbert/Spinner Lab, Children's Hospital of Philadelphia
No classification provided (evidence only). Condition: Alagille syndrome. Review status: no classification provided. Collection method: research. Allele origin: not applicable. Functional consequence: functionally_abnormal.
ClinVar note: "not provided" was previously submitted as the classification for the variant. However, the classification appeared to be based only on an observation of functional data so it was converted to no classification on 2025-07-30.

NM_000214.3(JAG1):c.877T>C (p.Cys293Arg)

Gene: JAG1 (jagged canonical Notch ligand 1; minus strand). Cytogenetic location: 20p12.2.
Variant type: single nucleotide variant.
Coding change: c.877T>C on transcript NM_000214.3 (MANE Select); coding-DNA position 877, T replaced by C.
Protein change: p.Cys293Arg; replaces cysteine 293 with arginine.
Molecular consequence: missense variant.
Genome position (GRCh38, 1-based): chr20:10,652,477, A>G on the plus strand (T>C on the coding strand, the complement: JAG1 is on the minus strand). VCF-style: chr20-10652477-A-G. GRCh37 (hg19) VCF-style: chr20-10633125-A-G.
Other names: short protein forms C293R.
Identifiers: ClinVar variation 3573393 (VCV003573393.2).
Genomic context (GRCh38, chr20:10,652,477, plus strand): 5'-TGCCATCCCACCCCCAGATCCCACCCTGGGTCTCATCCCTAAGGGCCATACCTTTGTCAC[A>G]GAGCTGGCCGCCCCAGTTGGTCTCACAGAGGCACTGCCAGGGCTCATTACAGATGCCGTG-3'
Protein context (NP_000205.1, residues 283-303): LCETNWGGQL[Cys293Arg]DKDLNYCGTH